The following is an entry in ClinVar:

ClinVar aggregate classification (germline): Uncertain significance (1 of 4 stars; one submission).

Conditions:
Generalized pustular psoriasis. Identifiers: Orphanet 247353, MedGen C0343055, MONDO:0100491.

gnomAD v4.1: 1 of 1,614,068 alleles (0.000062%); highest among the groups gnomAD compares: Non-Finnish European, 0.000085%; no homozygotes.

Submission:

Labcorp Genetics (formerly Invitae), Labcorp
Classification: Uncertain significance for Generalized pustular psoriasis. Last evaluated: 2024-02-05. Review status: criteria provided, single submitter. Criteria: Invitae Variant Classification Sherloc (09022015). Collection method: clinical testing. Allele origin: germline.
Comment: This sequence change affects codon 48 of the IL36RN mRNA. It is a 'silent' change, meaning that it does not change the encoded amino acid sequence of the IL36RN protein. This variant is not present in population databases (gnomAD no frequency). This variant has not been reported in the literature in individuals affected with IL36RN-related conditions. ClinVar contains an entry for this variant (Variation ID: 1478784). Algorithms developed to predict the effect of sequence changes on RNA splicing suggest that this variant may disrupt the consensus splice site. In summary, the available evidence is currently insufficient to determine the role of this variant in disease. Therefore, it has been classified as a Variant of Uncertain Significance.

NM_012275.3(IL36RN):c.142C>A (p.Arg48=)

Gene: IL36RN (interleukin 36 receptor antagonist; plus strand). Cytogenetic location: 2q14.1.
Variant type: single nucleotide variant.
Coding change: c.142C>A on transcript NM_012275.3 (MANE Select); coding-DNA position 142, C replaced by A.
Protein change: p.Arg48=; no amino-acid change (arginine 48 retained).
Molecular consequence: synonymous variant.
Genome position (GRCh38, 1-based): chr2:113,062,150, C>A. VCF-style: chr2-113062150-C-A. GRCh37 (hg19) VCF-style: chr2-113819727-C-A.
Other names: c.142C>A, p.Arg48= (NM_173170.1).
Identifiers: ClinVar variation 1478784 (VCV001478784.8), dbSNP rs151325121, ClinGen allele CA428299622.